The following is an entry in ClinVar:

NC_000007.13:g.(?_130038777)_(130039476_?)del

Gene: CEP41 (centrosomal protein 41; minus strand). Cytogenetic location: 7q32.2.
Variant type: Deletion.
Identifiers: ClinVar variation 3245798 (VCV003245798.1).

ClinVar aggregate classification (germline): Uncertain significance (1 of 4 stars; one submission).

Conditions:
Joubert syndrome 15 (JBTS15). Identifiers: Orphanet 475, MedGen C3280897, MONDO:0013763, OMIM 614464.

Submission:

Labcorp Genetics (formerly Invitae), Labcorp
Classification: Uncertain significance for Joubert syndrome 15. Last evaluated: 2022-07-05. Review status: criteria provided, single submitter. Criteria: Invitae Variant Classification Sherloc (09022015). Collection method: clinical testing. Allele origin: unknown.
Comment: This variant has not been reported in the literature in individuals affected with CEP41-related conditions. In summary, the available evidence is currently insufficient to determine the role of this variant in disease. Therefore, it has been classified as a Variant of Uncertain Significance. Variants that disrupt the consensus splice site are a relatively common cause of aberrant splicing (PMID: 17576681, 9536098). Experimental studies and prediction algorithms are not available or were not evaluated, and the functional significance of this variant is currently unknown. ClinVar contains an entry for this variant (Variation ID: 848331). This variant results in the deletion of part of exon 11 (c.973+404_1077del) of the CEP41 gene. While this variant is not anticipated to result in nonsense mediated decay, it likely alters RNA splicing and results in a disrupted protein product.

Literature cited by the submitters: PubMed 17576681; PubMed 9536098.